The following is an entry in ClinVar:

NM_006208.3(ENPP1):c.556+2T>G

Gene: ENPP1 (ectonucleotide pyrophosphatase/phosphodiesterase 1; plus strand). Cytogenetic location: 6q23.2.
Variant type: single nucleotide variant.
Coding change: c.556+2T>G on transcript NM_006208.3 (MANE Select); the canonical splice donor site of the intron after coding-DNA position 556, T replaced by G.
Molecular consequence: splice donor variant.
Genome position (GRCh38, 1-based): chr6:131,851,269, T>G. VCF-style: chr6-131851269-T-G. GRCh37 (hg19) VCF-style: chr6-132172409-T-G.
Identifiers: ClinVar variation 2635836 (VCV002635836.3), dbSNP rs2483462090, ClinGen allele CA365662433.

ClinVar aggregate classification (germline): Likely pathogenic. Review status: criteria provided, single submitter (1 of 4 stars). 2 submissions from 2 submitters: Likely pathogenic (1). 1 of the submissions does not count toward it. Last evaluated 2024-05-30.

Conditions:
ENPP1-related disorder. Also called: ENPP1-related disorders; ENPP1-related condition.

gnomAD v4.1: 2 of 1,614,128 alleles (0.00012%); highest among the groups gnomAD compares: Non-Finnish European, 0.00017%; no homozygotes.

Submissions (2):

Blueprint Genetics
Classification: Likely pathogenic for ENPP1-related disorders. Last evaluated: 2024-05-30. Review status: criteria provided, single submitter. Criteria: ACMG Guidelines, 2015. Collection method: clinical testing. Allele origin: germline. Affected: yes. Observed: 4 variant alleles.

PreventionGenetics, part of Exact Sciences
Classification: Likely pathogenic for ENPP1-related condition. Last evaluated: 2024-05-09. Review status: no assertion criteria provided. Collection method: clinical testing. Allele origin: germline. Not counted in ClinVar's aggregate classification.
Comment: The ENPP1 c.556+2T>G variant is predicted to disrupt the GT donor site and interfere with normal splicing. To our knowledge, this variant has not been reported in the literature or in a large population database, indicating this variant is rare. Variants that disrupt the consensus splice donor site in ENPP1 are expected to be pathogenic. This variant is interpreted as likely pathogenic.